The following is an entry in ClinVar:

NM_004369.4(COL6A3):c.4503C>T (p.Asp1501=)

Gene: COL6A3 (collagen type VI alpha 3 chain; minus strand). Cytogenetic location: 2q37.3.
Variant type: single nucleotide variant.
Coding change: c.4503C>T on transcript NM_004369.4 (MANE Select); coding-DNA position 4503, C replaced by T.
Protein change: p.Asp1501=; no amino-acid change (aspartic acid 1501 retained).
Molecular consequence: synonymous variant.
Genome position (GRCh38, 1-based): chr2:237,368,960, G>A on the plus strand (C>T on the coding strand, the complement: COL6A3 is on the minus strand). VCF-style: chr2-237368960-G-A. GRCh37 (hg19) VCF-style: chr2-238277603-G-A.
Other names: p.Asp1501=; c.2682C>T, p.Asp894= (NM_057166.5); c.3885C>T, p.Asp1295= (NM_057167.4).
Identifiers: ClinVar variation 94935 (VCV000094935.49), dbSNP rs115551245, ClinGen allele CA222608.

ClinVar aggregate classification (germline): Conflicting classifications of pathogenicity. Review status: criteria provided, conflicting classifications (1 of 4 stars). 8 submissions from 8 submitters: Uncertain significance (1); Benign (1); Likely benign (6). Last evaluated 2026-05-01.

Conditions:
Collagen 6-related myopathy. Identifiers: MedGen CN117976, MONDO:0100225.
Bethlem myopathy 1A. Also called: MYOPATHY, BENIGN CONGENITAL, WITH CONTRACTURES; Bethlem myopathy 1; Bethlem Muscular Dystrophy. Identifiers: Orphanet 610, MedGen CN029274, MONDO:0024530, OMIM 158810.

Allele frequency attached by ClinVar (database versions not stated): ESP Exome Variant Server 0.00008; gnomAD 0.00022 and 0.00025; gnomAD exomes 0.00025 and 0.00034; TOPMed 0.00025; 1000 Genomes Project 30x 0.00031; ExAC 0.00031.

Submissions (8):

CeGaT Center for Human Genetics Tuebingen
Classification: Likely benign. Last evaluated: 2026-05-01. Review status: criteria provided, single submitter. Criteria: CeGaT Center For Human Genetics Tuebingen Variant Classification Criteria Version 2. Collection method: clinical testing. Allele origin: germline. Affected: yes. Observed: 4 variant alleles.
Comment: COL6A3: BP4, BP7

Labcorp Genetics (formerly Invitae), Labcorp
Classification: Likely benign for Bethlem myopathy 1A. Last evaluated: 2025-12-22. Review status: criteria provided, single submitter. Criteria: Invitae Variant Classification Sherloc (09022015). Collection method: clinical testing. Allele origin: germline.

Mayo Clinic Laboratories, Mayo Clinic
Classification: Likely benign. Last evaluated: 2025-09-11. Review status: criteria provided, single submitter. Criteria: ACMG Guidelines, 2015. Collection method: clinical testing. Allele origin: germline. Observed: 1 variant allele.
Comment: BP4, BP7

Women's Health and Genetics/Laboratory Corporation of America, LabCorp
Classification: Likely benign. Last evaluated: 2025-06-19. Review status: criteria provided, single submitter. Criteria: LabCorp Variant Classification Summary - May 2015. Collection method: clinical testing. Allele origin: germline.

Blueprint Genetics
Classification: Likely benign. Last evaluated: 2024-11-13. Review status: criteria provided, single submitter. Criteria: ACMG Guidelines, 2015. Collection method: clinical testing. Allele origin: germline.

Illumina Laboratory Services, Illumina
Classification: Benign for Collagen VI-related myopathy. Last evaluated: 2018-01-12. Review status: criteria provided, single submitter. Criteria: ICSL Variant Classification Criteria 13 December 2019. Collection method: clinical testing. Allele origin: germline.
Comment: This variant was observed in the ICSL laboratory as part of a predisposition screen in an ostensibly healthy population. It had not been previously curated by ICSL or reported in the Human Gene Mutation Database (HGMD: prior to June 1st, 2018), and was therefore a candidate for classification through an automated scoring system. Utilizing variant allele frequency, disease prevalence and penetrance estimates, and inheritance mode, an automated score was calculated to assess if this variant is too frequent to cause the disease. Based on the score and internal cut-off values, a variant classified as benign is not then subjected to further curation. The score for this variant resulted in a classification of benign for this disease.

Eurofins Ntd Llc (ga)
Classification: Uncertain significance. Last evaluated: 2017-12-29. Review status: criteria provided, single submitter. Criteria: EGL Classification Definitions 2015. Collection method: clinical testing. Allele origin: germline. Observed: 6 variant alleles, 6 heterozygotes.

PreventionGenetics, part of Exact Sciences
Classification: Likely benign. Review status: criteria provided, single submitter. Criteria: ACMG Guidelines, 2015. Collection method: clinical testing. Allele origin: germline.